The following is an entry in ClinVar:

ClinVar aggregate classification (germline): Uncertain significance (1 of 4 stars; one submission).

gnomAD v4.1: 1 of 1,581,660 alleles (0.000063%); no homozygotes.

Submission:

GeneDx
Classification: Uncertain significance. Last evaluated: 2024-02-21. Review status: criteria provided, single submitter. Criteria: GeneDx Variant Classification Process June 2021. Collection method: clinical testing. Allele origin: germline. Affected: yes.
Comment: Not observed at significant frequency in large population cohorts (gnomAD); In silico analysis supports that this missense variant has a deleterious effect on protein structure/function; Has not been previously published as pathogenic or benign to our knowledge

NM_000829.4(GRIA4):c.1181A>C (p.Asp394Ala)

Gene: GRIA4 (glutamate ionotropic receptor AMPA type subunit 4; plus strand). Cytogenetic location: 11q22.3.
Variant type: single nucleotide variant.
Coding change: c.1181A>C on transcript NM_000829.4 (MANE Select); coding-DNA position 1181, A replaced by C.
Protein change: p.Asp394Ala; replaces aspartic acid 394 with alanine.
Molecular consequence: missense variant. On other transcripts: non-coding transcript variant (1).
Genome position (GRCh38, 1-based): chr11:105,910,457, A>C. VCF-style: chr11-105910457-A-C. GRCh37 (hg19) VCF-style: chr11-105781183-A-C.
Other names: c.1181A>C, p.Asp394Ala (NM_001077243.3, NM_001077244.2, NM_001112812.2); short protein forms D394A.
Identifiers: ClinVar variation 3369518 (VCV003369518.1).